The following is an entry in ClinVar:

NM_003579.4(RAD54L):c.1519G>A (p.Val507Met)

Gene: RAD54L (RAD54 like; plus strand). Cytogenetic location: 1p34.1.
Variant type: single nucleotide variant.
Coding change: c.1519G>A on transcript NM_003579.4 (MANE Select); coding-DNA position 1519, G replaced by A.
Protein change: p.Val507Met; replaces valine 507 with methionine.
Molecular consequence: missense variant.
Genome position (GRCh38, 1-based): chr1:46,273,656, G>A. VCF-style: chr1-46273656-G-A. GRCh37 (hg19) VCF-style: chr1-46739328-G-A.
Other names: c.1519G>A, p.Val507Met (NM_001142548.2); c.979G>A, p.Val327Met (NM_001370766.1); short protein forms V327M, V507M.
Identifiers: ClinVar variation 2562793 (VCV002562793.2), dbSNP rs1020176839, ClinGen allele CA21897839.

ClinVar aggregate classification (germline): Uncertain significance (1 of 4 stars; one submission).

Allele frequency attached by ClinVar (database versions not stated): gnomAD exomes below 0.00001; TOPMed 0.00001.
gnomAD v4.1: 4 of 1,613,944 alleles (0.00025%); highest among the groups gnomAD compares: Non-Finnish European, 0.00034%; no homozygotes.

Submission:

Ambry Genetics
Classification: Uncertain significance. Last evaluated: 2023-04-16. Review status: criteria provided, single submitter. Criteria: Ambry Variant Classification Scheme 2023. Collection method: clinical testing. Allele origin: germline.
Comment: The p.V507M variant (also known as c.1519G>A), located in coding exon 14 of the RAD54L gene, results from a G to A substitution at nucleotide position 1519. The valine at codon 507 is replaced by methionine, an amino acid with highly similar properties. This amino acid position is conserved. In addition, this alteration is predicted to be tolerated by in silico analysis. Since supporting evidence is limited at this time, the clinical significance of this alteration remains unclear.